The following is an entry in ClinVar:

ClinVar aggregate classification (germline): Conflicting classifications of pathogenicity. Review status: criteria provided, conflicting classifications (1 of 4 stars). 3 submissions from 3 submitters: Likely pathogenic (1); Uncertain significance (1). 1 of the submissions does not count toward it. Last evaluated 2024-10-04.

Conditions:
Lethal left ventricular non-compaction-seizures-hypotonia-cataract-developmental delay syndrome. Also called: Combined oxidative phosphorylation deficiency 31. Identifiers: Orphanet 478049, MedGen C4310661, MONDO:0014976, OMIM 617228.
Cardiomyopathy (CMYO). Also called: Cardiomyopathies. Identifiers: Orphanet 167848, MedGen C0878544, MONDO:0004994, HP:0001638. Inheritance: Various modes of inheritance.
Left ventricular noncompaction. Identifiers: Orphanet 54260, MedGen C1960469, MONDO:0018901, HP:0030682.
Floppy infant. Also called: Infantile muscular hypotonia. Identifiers: MedGen C1860834, HP:0008947.

Allele frequency attached by ClinVar (database versions not stated): gnomAD exomes below 0.00001.
gnomAD v4.1: 1 of 1,584,654 alleles (0.000063%); highest among the groups gnomAD compares: Non-Finnish European, 0.000086%; no homozygotes.

Submissions (3):

Dubai Health Genomic Medicine Center, Dubai Health
Classification: Likely pathogenic for Combined oxidative phosphorylation deficiency 31. Last evaluated: 2024-10-04. Review status: criteria provided, single submitter. Criteria: ACMG Guidelines, 2015. Collection method: research. Allele origin: germline. Affected: yes.
Comment: PS3(moderate),PM3(moderate),PM2

Baylor Genetics
Classification: Uncertain significance for Cardiomyopathy; Left ventricular noncompaction; Infantile muscular hypotonia. Last evaluated: 2015-06-17. Review status: criteria provided, single submitter. Criteria: Eldomery et al. (Genome Med. 2016). Collection method: clinical testing. Allele origin: maternal. Inheritance: Autosomal recessive inheritance. Affected: yes. Observed: 1 variant allele, 1 homozygote. Study: MIPEP.

OMIM
Classification: Pathogenic for COMBINED OXIDATIVE PHOSPHORYLATION DEFICIENCY 31. Last evaluated: 2016-12-01. Review status: no assertion criteria provided. Collection method: literature only. Allele origin: germline. Not counted in ClinVar's aggregate classification.

Literature cited by the submitters: PubMed 27799064 (cited by OMIM).

NM_005932.4(MIPEP):c.1027A>G (p.Lys343Glu)

Gene: MIPEP (mitochondrial intermediate peptidase; minus strand). Cytogenetic location: 13q12.12.
Variant type: single nucleotide variant.
Coding change: c.1027A>G on transcript NM_005932.4 (MANE Select); coding-DNA position 1027, A replaced by G.
Protein change: p.Lys343Glu; replaces lysine 343 with glutamic acid.
Molecular consequence: missense variant.
Genome position (GRCh38, 1-based): chr13:23,862,328, T>C on the plus strand (A>G on the coding strand, the complement: MIPEP is on the minus strand). VCF-style: chr13-23862328-T-C. GRCh37 (hg19) VCF-style: chr13-24436467-T-C.
Other names: short protein forms K343E.
Identifiers: ClinVar variation 208632 (VCV000208632.3), dbSNP rs1057518741, ClinGen allele CA16040611.